The following is an entry in ClinVar:

NM_000419.5(ITGA2B):c.575-1_575insGGACAA (p.Phe191_Ser192insArgThr)

Gene: ITGA2B (integrin subunit alpha 2b; minus strand). Cytogenetic location: 17q21.31.
Variant type: Insertion.
Coding change: c.575-1_575insGGACAA on transcript NM_000419.5 (MANE Select); the canonical splice acceptor site of the intron before coding-DNA position 575 through coding-DNA position 575, GGACAA inserted.
Protein change: p.Phe191_Ser192insArgThr.
Molecular consequence: inframe insertion.
Genome position: GRCh38 VCF-style: chr17-44385334-G-GCTTGTC. GRCh37 (hg19) VCF-style: chr17-42462702-G-GCTTGTC.
Other names: NM_000419.5:c.575_576insGACAAG.
Identifiers: ClinVar variation 2581086 (VCV002581086.1), dbSNP rs2510084269, ClinGen allele CA915940646.
Genomic context (GRCh38, chr17:44,385,334, plus strand): 5'-CTCCCTACTCGCCTGAGTGACCACGGAGCTGAAGCCCGCTTCACAGTAACGCTTGTCCCA[G>GCTTGTC]CCTGCAGGAGACAAGGAGGAGGGGTCAGCGCAGGGGTGAAGGGAGGCGCGCGCGAGCCCG-3'

ClinVar aggregate classification (germline): Pathogenic (3 of 4 stars; one submission).

Conditions:
Glanzmann thrombasthenia. Also called: BLEEDING DISORDER, PLATELET-TYPE, 2; THROMBASTHENIA OF GLANZMANN AND NAEGELI; Thrombasthenia; PLATELET GLYCOPROTEIN IIb-IIIa DEFICIENCY; Glanzmann's thrombasthenia. Identifiers: Orphanet 849, MedGen C0040015, MONDO:0100326.

Submission:

ClinGen Platelet Disorders Variant Curation Expert Panel, ClinGen
Classification: Pathogenic for Glanzmann thrombasthenia. Last evaluated: 2023-09-07. Review status: reviewed by expert panel. Criteria: ClinGen Platelet ACMG Specifications v2-1. Collection method: curation. Allele origin: germline. Inheritance: Autosomal recessive inheritance.
Comment: The NM_000419.5(ITGA2B):c.575_576insGACAAG (p.Phe191_Ser192insArgThr) variant is predicted to cause a change in the length of the protein due to an in-frame insertion of two amino acids in a non-repeat region (PM4). At least one patient (Patient KO in PMID: 9739052) with this variant displayed mucocutaneous bleeding and impaired aggregation with all agonists except ristocetin, which is highly specific for Glanzmann thrombasthenia (PP4_Moderate). The patient's platelets had normal amounts of surface alphaIIb and beta3 but failed to bind the ligand mimetic, IIb3-specific mAb, OP-G2. The receptor function of αIIbβ3, measured by functional flow cytometry, in 293 cells transiently co-transfected with the c.575_576insGACAAG (p.Phe191_Ser192insArgThr) variant αIIb and wild type β3 had normal surface expression but showed minimal binding (0%) to ligand mimetic antibody PAC-1 indicating that this variant impacts protein function (PMID: 9739052)(PS3). This variant is absent from gnomAD v2.1.1 (PM2_Supporting). In summary, this variant meets the criteria to be classified as Pathogenic for autosomal recessive Glanzmann Thrombasthenia based on the ACMG/AMP criteria applied, as specified by the ClinGen PD VCEP: PS3, PP4_Moderate, PM4, PM2_Supporting, and PM3_Supporting (VCEP specifications version 2).